The following is an entry in ClinVar:

NM_003924.4(PHOX2B):c.87C>A (p.Ala29=)

Genes: PHOX2B (paired like homeobox 2B; minus strand), PHOX2B-AS1 (PHOX2B antisense RNA 1; plus strand). Cytogenetic location: 4p13.
Variant type: single nucleotide variant.
Coding change: c.87C>A on transcript NM_003924.4 (MANE Select); coding-DNA position 87, C replaced by A.
Protein change: p.Ala29=; no amino-acid change (alanine 29 retained).
Molecular consequence: synonymous variant.
Genome position (GRCh38, 1-based): chr4:41,748,524, G>T on the plus strand (C>A on the coding strand, the complement: PHOX2B is on the minus strand). VCF-style: chr4-41748524-G-T. GRCh37 (hg19) VCF-style: chr4-41750541-G-T.
Identifiers: ClinVar variation 697660 (VCV000697660.20), dbSNP rs1336670718, ClinGen allele CA438979646.

ClinVar aggregate classification (germline): Likely benign. Review status: criteria provided, multiple submitters, no conflicts (2 of 4 stars). 3 submissions from 3 submitters: Likely benign (3). Last evaluated 2026-07-01.

Conditions:
Hereditary cancer-predisposing syndrome. Also called: Neoplastic Syndromes, Hereditary; Hereditary neoplastic syndrome; Hereditary Cancer Syndrome; Tumor predisposition. Identifiers: Orphanet 140162, MedGen C0027672, MeSH D009386, MONDO:0015356.
Haddad syndrome (OHD). Also called: Ondine-Hirschsprung disease. Identifiers: Orphanet 99803, MedGen C1859049, MONDO:0020493.

Allele frequency attached by ClinVar (database versions not stated): TOPMed 0.00001.

Submissions (3):

CeGaT Center for Human Genetics Tuebingen
Classification: Likely benign. Last evaluated: 2026-07-01. Review status: criteria provided, single submitter. Criteria: CeGaT Center For Human Genetics Tuebingen Variant Classification Criteria Version 2. Collection method: clinical testing. Allele origin: germline. Affected: yes. Observed: 2 variant alleles.
Comment: PHOX2B: PM2:Supporting, BP4, BP7

Ambry Genetics
Classification: Likely benign for Hereditary cancer-predisposing syndrome. Last evaluated: 2024-03-24. Review status: criteria provided, single submitter. Criteria: Ambry Variant Classification Scheme 2023. Collection method: clinical testing. Allele origin: germline.

Labcorp Genetics (formerly Invitae), Labcorp
Classification: Likely benign for Haddad syndrome. Last evaluated: 2021-07-09. Review status: criteria provided, single submitter. Criteria: Invitae Variant Classification Sherloc (09022015). Collection method: clinical testing. Allele origin: germline.